The following is an entry in ClinVar:

ClinVar aggregate classification (germline): Uncertain significance (1 of 4 stars; one submission).

Submission:

Labcorp Genetics (formerly Invitae), Labcorp
Classification: Uncertain significance. Last evaluated: 2023-12-11. Review status: criteria provided, single submitter. Criteria: Invitae Variant Classification Sherloc (09022015). Collection method: clinical testing. Allele origin: unknown.
Comment: A copy number gain of the genomic region encompassing the full coding sequence of the ANGPT1 gene has been identified. The boundaries of this event are unknown as they extend beyond the assayed region for this gene and therefore may encompass additional genes. As the precise location of this event is unknown, it may be in tandem or it may be located elsewhere in the genome. This variant has not been reported in the literature in individuals affected with ANGPT1-related conditions. In summary, the available evidence is currently insufficient to determine the role of this variant in disease. Therefore, it has been classified as a Variant of Uncertain Significance.

NC_000008.10:g.(?_108262669)_(109096029_?)dup

Genes: ANGPT1 (angiopoietin 1; minus strand), RSPO2 (R-spondin 2; minus strand). Cytogenetic location: 8q23.1.
Variant type: Duplication.
Identifiers: ClinVar variation 3245559 (VCV003245559.1).